The following is an entry in ClinVar:

NM_020207.7(ERCC6L2):c.683A>G (p.His228Arg)

Gene: ERCC6L2 (ERCC excision repair 6 like 2; plus strand). Cytogenetic location: 9q22.32.
Variant type: single nucleotide variant.
Coding change: c.683A>G on transcript NM_020207.7 (MANE Select); coding-DNA position 683, A replaced by G.
Protein change: p.His228Arg; replaces histidine 228 with arginine.
Molecular consequence: missense variant. On other transcripts: non-coding transcript variant (1).
Genome position (GRCh38, 1-based): chr9:95,907,166, A>G. VCF-style: chr9-95907166-A-G. GRCh37 (hg19) VCF-style: chr9-98669448-A-G.
Other names: c.683A>G, p.His228Arg (NM_001010895.4, NM_001375291.1, NM_001375292.1 and 2 more transcripts); short protein forms H228R.
Identifiers: ClinVar variation 1441504 (VCV001441504.10), dbSNP rs1829082194, ClinGen allele CA374120986.

ClinVar aggregate classification (germline): Uncertain significance. Review status: criteria provided, multiple submitters, no conflicts (2 of 4 stars). 3 submissions from 3 submitters: Uncertain significance (3). Last evaluated 2025-01-08.

Conditions:
Inborn genetic diseases. Identifiers: MedGen C0950123, MeSH D030342.

Allele frequency attached by ClinVar (database versions not stated): TOPMed below 0.00001.

Submissions (3):

Ambry Genetics
Classification: Uncertain significance for Inborn genetic diseases. Last evaluated: 2025-01-08. Review status: criteria provided, single submitter. Criteria: Ambry Variant Classification Scheme 2023. Collection method: clinical testing. Allele origin: germline.
Comment: The p.H228R variant (also known as c.683A>G), located in coding exon 4 of the ERCC6L2 gene, results from an A to G substitution at nucleotide position 683. The histidine at codon 228 is replaced by arginine, an amino acid with highly similar properties. This amino acid position is conserved. In addition, this alteration is predicted to be deleterious by in silico analysis. Based on the available evidence, the clinical significance of this variant remains unclear.

Labcorp Genetics (formerly Invitae), Labcorp
Classification: Uncertain significance. Last evaluated: 2022-08-09. Review status: criteria provided, single submitter. Criteria: Invitae Variant Classification Sherloc (09022015). Collection method: clinical testing. Allele origin: germline.
Comment: ClinVar contains an entry for this variant (Variation ID: 1441504). In summary, the available evidence is currently insufficient to determine the role of this variant in disease. Therefore, it has been classified as a Variant of Uncertain Significance. Algorithms developed to predict the effect of missense changes on protein structure and function are either unavailable or do not agree on the potential impact of this missense change (SIFT: "Deleterious"; PolyPhen-2: "Not Available"; Align-GVGD: "Class C0"). This variant has not been reported in the literature in individuals affected with ERCC6L2-related conditions. This variant is not present in population databases (gnomAD no frequency). This sequence change replaces histidine, which is basic and polar, with arginine, which is basic and polar, at codon 239 of the ERCC6L2 protein (p.His239Arg).

Blueprint Genetics
Classification: Uncertain significance. Last evaluated: 2019-11-15. Review status: criteria provided, single submitter. Criteria: ACMG Guidelines, 2015. Collection method: clinical testing. Allele origin: germline.